The following is an entry in ClinVar:

ClinVar aggregate classification (germline): Uncertain significance (1 of 4 stars; one submission).

Submission:

Greenwood Genetic Center Diagnostic Laboratories, Greenwood Genetic Center
Classification: Uncertain significance. Last evaluated: 2024-07-31. Review status: criteria provided, single submitter. Criteria: ACMG Guidelines, 2015. Collection method: clinical testing. Allele origin: germline. Affected: yes.
Comment: Gene of Uncertain Significance

NM_001101669.3(INPP4B):c.1893+2T>C

Gene: INPP4B (inositol polyphosphate-4-phosphatase type II B; minus strand). Cytogenetic location: 4q31.21.
Variant type: single nucleotide variant.
Coding change: c.1893+2T>C on transcript NM_001101669.3 (MANE Select); the canonical splice donor site of the intron after coding-DNA position 1893, T replaced by C.
Molecular consequence: splice donor variant. On other transcripts: non-coding transcript variant (1), intron variant (3).
Genome position (GRCh38, 1-based): chr4:142,124,586, A>G on the plus strand (T>C on the coding strand, the complement: INPP4B is on the minus strand). VCF-style: chr4-142124586-A-G. GRCh37 (hg19) VCF-style: chr4-143045739-A-G.
Other names: c.1893+2T>C (NM_003866.3, NM_001385336.1, NM_001385338.1 and 8 more transcripts); c.1920+2T>C (NM_001385339.1, NM_001385343.1); c.1720+21254T>C (NM_001385340.1, NM_001385337.1); c.1338+2T>C (NM_001385350.1, NM_001385381.1, NM_001385383.1 and 6 more transcripts); c.1134+2T>C (NM_001385357.1, NM_001385362.1, NM_001385458.1); c.1165+21254T>C (NM_001385454.1); c.1161+2T>C (NM_001385450.1); c.1365+2T>C (NM_001385455.1); and 3 more.
Identifiers: ClinVar variation 3765881 (VCV003765881.1).